The following is an entry in ClinVar:

NM_021020.5(LZTS1):c.783C>G (p.Cys261Trp)

Gene: LZTS1 (leucine zipper tumor suppressor 1; minus strand). Cytogenetic location: 8p21.3.
Variant type: single nucleotide variant.
Coding change: c.783C>G on transcript NM_021020.5 (MANE Select); coding-DNA position 783, C replaced by G.
Protein change: p.Cys261Trp; replaces cysteine 261 with tryptophan.
Molecular consequence: missense variant.
Genome position (GRCh38, 1-based): chr8:20,253,148, G>C on the plus strand (C>G on the coding strand, the complement: LZTS1 is on the minus strand). VCF-style: chr8-20253148-G-C. GRCh37 (hg19) VCF-style: chr8-20110659-G-C.
Other names: c.783C>G, p.Cys261Trp (NM_001362884.2); short protein forms C261W.
Identifiers: ClinVar variation 2903610 (VCV002903610.3), dbSNP rs1484857981, ClinGen allele CA370477546.

ClinVar aggregate classification (germline): Uncertain significance (1 of 4 stars; one submission).

Allele frequency attached by ClinVar (database versions not stated): TOPMed 0.00002.
gnomAD v4.1: 1 of 1,613,218 alleles (0.000062%); highest among the groups gnomAD compares: Admixed American, 0.0017%; no homozygotes.

Submission:

Labcorp Genetics (formerly Invitae), Labcorp
Classification: Uncertain significance. Last evaluated: 2024-09-14. Review status: criteria provided, single submitter. Criteria: Invitae Variant Classification Sherloc (09022015). Collection method: clinical testing. Allele origin: germline.
Comment: This sequence change replaces cysteine, which is neutral and slightly polar, with tryptophan, which is neutral and slightly polar, at codon 261 of the LZTS1 protein (p.Cys261Trp). This variant is not present in population databases (gnomAD no frequency). This variant has not been reported in the literature in individuals affected with LZTS1-related conditions. An algorithm developed to predict the effect of missense changes on protein structure and function (PolyPhen-2) suggests that this variant is likely to be tolerated. In summary, the available evidence is currently insufficient to determine the role of this variant in disease. Therefore, it has been classified as a Variant of Uncertain Significance.